The following is an entry in ClinVar:

ClinVar aggregate classification (germline): Benign/Likely benign. Review status: criteria provided, multiple submitters, no conflicts (2 of 4 stars). 12 submissions from 12 submitters: Benign (11); Likely benign (1). Last evaluated 2026-02-04.

Conditions:
Ehlers-Danlos syndrome, classic type, 1 (EDSCL1). Also called: Ehlers-Danlos syndrome, type 1; Ehlers-Danlos Syndrome, Classic Type, COL5A1-Related; EDS I; EHLERS-DANLOS SYNDROME, GRAVIS TYPE; EHLERS-DANLOS SYNDROME, SEVERE CLASSIC TYPE. Identifiers: MedGen C0268335, MONDO:0019567, OMIM 130000.
Ehlers-Danlos syndrome, classic type, 2 (EDSCL2). Also called: Ehlers-Danlos syndrome, type 2; Ehlers-Danlos Syndrome, Classic Type, COL5A2-Related; Ehlers-Danlos syndrome type 2 (formerly). Identifiers: Orphanet 287, Orphanet 90318, MedGen C0268336, MONDO:0019568, OMIM 130010.
Familial thoracic aortic aneurysm and aortic dissection (TAAD). Also called: Thoracic aortic aneurysms and dissections. Identifiers: Orphanet 91387, MedGen C4707243, MONDO:0019625.

Allele frequency attached by ClinVar (database versions not stated): ESP Exome Variant Server 0.09257; gnomAD 0.09320 and 0.09627; TOPMed 0.09439; gnomAD exomes 0.10627; ExAC 0.10806; 1000 Genomes Project 30x 0.10915; 1000 Genomes Project 0.11122.
gnomAD v4.1: 166,045 of 1,613,802 alleles (10%); highest among the groups gnomAD compares: Middle Eastern, 17%; 9,249 homozygotes.

Submissions (12):

Labcorp Genetics (formerly Invitae), Labcorp
Classification: Benign for Ehlers-Danlos syndrome, classic type, 1. Last evaluated: 2026-02-04. Review status: criteria provided, single submitter. Criteria: Invitae Variant Classification Sherloc (09022015). Collection method: clinical testing. Allele origin: germline.

ARUP Laboratories, Molecular Genetics and Genomics, ARUP Laboratories
Classification: Benign for Ehlers-Danlos syndrome, classic type, 2. Last evaluated: 2025-07-23. Review status: criteria provided, single submitter. Criteria: ARUP Molecular Germline Variant Investigation Process 2024. Collection method: clinical testing. Allele origin: germline.

Molecular Diagnostic Laboratory for Inherited Cardiovascular Disease, Montreal Heart Institute
Classification: Benign. Last evaluated: 2025-04-09. Review status: criteria provided, single submitter. Criteria: ACMG Guidelines, 2015. Collection method: clinical testing. Allele origin: germline. Affected: no.

Blueprint Genetics
Classification: Benign. Last evaluated: 2024-11-26. Review status: criteria provided, single submitter. Criteria: ACMG Guidelines, 2015. Collection method: clinical testing. Allele origin: germline.

Illumina Laboratory Services, Illumina
Classification: Benign for Ehlers-Danlos syndrome, classic type, 2. Last evaluated: 2018-01-12. Review status: criteria provided, single submitter. Criteria: ICSL Variant Classification Criteria 13 December 2019. Collection method: clinical testing. Allele origin: germline.
Comment: This variant was observed in the ICSL laboratory as part of a predisposition screen in an ostensibly healthy population. It had not been previously curated by ICSL or reported in the Human Gene Mutation Database (HGMD: prior to June 1st, 2018), and was therefore a candidate for classification through an automated scoring system. Utilizing variant allele frequency, disease prevalence and penetrance estimates, and inheritance mode, an automated score was calculated to assess if this variant is too frequent to cause the disease. Based on the score and internal cut-off values, a variant classified as benign is not then subjected to further curation. The score for this variant resulted in a classification of benign for this disease.

Mayo Clinic Laboratories, Mayo Clinic
Classification: Benign. Last evaluated: 2017-11-14. Review status: criteria provided, single submitter. Criteria: ACMG Guidelines, 2015. Collection method: clinical testing. Allele origin: germline. Observed: 1,030 variant alleles.

Eurofins Ntd Llc (ga)
Classification: Benign. Last evaluated: 2017-03-31. Review status: criteria provided, single submitter. Criteria: EGL Classification Definitions 2015. Collection method: clinical testing. Allele origin: germline. Observed: 1 variant allele, 1 heterozygote.

Women's Health and Genetics/Laboratory Corporation of America, LabCorp
Classification: Benign. Last evaluated: 2017-03-17. Review status: criteria provided, single submitter. Criteria: LabCorp Variant Classification Summary - May 2015. Collection method: clinical testing. Allele origin: germline.
Comment: Variant summary: The c.3690A>C (p.Thr1230=) in COL5A2 gene is a synonymous change that involves a non-conserved nucleotide. 5/5 programs in Alamut predict that this variant eliminates a cryptic acceptor cite, however no functional studies supporting these predictions were published at the time of evaluation. The variant is present in the control population dataset of ExAC at frequency of 0.1081 (12897/119348 chrs tested), including numerous homozygous occurrences. This frequency exceeds the estimated maximum allele frequency for a pathogenic allele in this gene (0.0000063). The variant of interest hasbeen reported as Benign by multiple reputable databases/clinical laboratories. Taking together, based on the prevalence of this variant in general population the variant was classified as Benign.

Ambry Genetics
Classification: Benign for Familial thoracic aortic aneurysm and aortic dissection. Last evaluated: 2015-02-18. Review status: criteria provided, single submitter. Criteria: Ambry Variant Classification Scheme 2023. Collection method: clinical testing. Allele origin: germline.

GeneDx
Classification: Benign. Last evaluated: 2012-11-05. Review status: criteria provided, single submitter. Criteria: GeneDx Variant Classification (06012015). Collection method: clinical testing. Allele origin: germline. Affected: yes.
Comment: This variant is considered likely benign or benign based on one or more of the following criteria: it is a conservative change, it occurs at a poorly conserved position in the protein, it is predicted to be benign by multiple in silico algorithms, and/or has population frequency not consistent with disease.

Breakthrough Genomics
Classification: Likely benign. Review status: criteria provided, single submitter. Criteria: ACMG Guidelines, 2015. Collection method: not provided. Allele origin: germline. Inheritance: Autosomal dominant inheritance. Affected: yes.

PreventionGenetics, part of Exact Sciences
Classification: Benign. Review status: criteria provided, single submitter. Criteria: ACMG Guidelines, 2015. Collection method: clinical testing. Allele origin: germline.

NM_000393.5(COL5A2):c.3690A>C (p.Thr1230=)

Gene: COL5A2 (collagen type V alpha 2 chain; minus strand). Cytogenetic location: 2q32.2.
Variant type: single nucleotide variant.
Coding change: c.3690A>C on transcript NM_000393.5 (MANE Select); coding-DNA position 3690, A replaced by C.
Protein change: p.Thr1230=; no amino-acid change (threonine 1230 retained).
Molecular consequence: synonymous variant.
Genome position (GRCh38, 1-based): chr2:189,039,507, T>G on the plus strand (A>C on the coding strand, the complement: COL5A2 is on the minus strand). VCF-style: chr2-189039507-T-G. GRCh37 (hg19) VCF-style: chr2-189904233-T-G.
Other names: p.T1230T:ACA>ACC; p.Thr1230=; c.3690A>C (NM_000393.4).
Identifiers: ClinVar variation 136953 (VCV000136953.41), dbSNP rs10197596, ClinGen allele CA290393.
Genomic context (GRCh38, chr2:189,039,507, plus strand): 5'-CTCAGGAAGTGGATCTGGCATGCTTTCATCATAGTGCCCCATGATATCCCCAAGAGCAGC[T>G]GTAAGGTGGCCAGGGGGACCCGGAGGGCCAGGTGGGCCAGGCTCACCAGGAGGGCCCTAA-3'
Protein context (NP_000384.2, residues 1220-1240): PGPPGPPGHL[Thr1230=]AALGDIMGHY